The following is an entry in ClinVar:

ClinVar aggregate classification (germline): Likely benign. Review status: criteria provided, multiple submitters, no conflicts (2 of 4 stars). 2 submissions from 2 submitters: Likely benign (2). Last evaluated 2024-05-15.

Allele frequency attached by ClinVar (database versions not stated): TOPMed 0.00010; gnomAD 0.00022; ExAC 0.00006; gnomAD exomes 0.00007; ESP Exome Variant Server 0.00008.
gnomAD v4.1: 277 of 1,577,440 alleles (0.018%); highest among the groups gnomAD compares: Non-Finnish European, 0.021%; no homozygotes.

Submissions (2):

Labcorp Genetics (formerly Invitae), Labcorp
Classification: Likely benign. Last evaluated: 2024-05-15. Review status: criteria provided, single submitter. Criteria: Invitae Variant Classification Sherloc (09022015). Collection method: clinical testing. Allele origin: germline.

CeGaT Center for Human Genetics Tuebingen
Classification: Likely benign. Last evaluated: 2022-09-01. Review status: criteria provided, single submitter. Criteria: CeGaT Center For Human Genetics Tuebingen Variant Classification Criteria Version 2. Collection method: clinical testing. Allele origin: germline. Affected: yes. Observed: 1 variant allele.
Comment: CACNA1G: BP4, BP7

NM_018896.5(CACNA1G):c.1056G>A (p.Thr352=)

Gene: CACNA1G (calcium voltage-gated channel subunit alpha1 G; plus strand). Cytogenetic location: 17q21.33.
Variant type: single nucleotide variant.
Coding change: c.1056G>A on transcript NM_018896.5 (MANE Select); coding-DNA position 1056, G replaced by A.
Protein change: p.Thr352=; no amino-acid change (threonine 352 retained).
Molecular consequence: synonymous variant. On other transcripts: non-coding transcript variant (5).
Genome position (GRCh38, 1-based): chr17:50,573,029, G>A. VCF-style: chr17-50573029-G-A. GRCh37 (hg19) VCF-style: chr17-48650390-G-A.
Other names: c.1056G>A, p.Thr352= (NM_001256324.2, NM_001256325.2, NM_001256326.2 and 24 more transcripts).
Identifiers: ClinVar variation 735863 (VCV000735863.31), dbSNP rs57905046, ClinGen allele CA8652096.